The following is an entry in ClinVar:

NM_000316.3(PTH1R):c.23C>G (p.Pro8Arg)

Gene: PTH1R (parathyroid hormone 1 receptor; plus strand). Cytogenetic location: 3p21.31.
Variant type: single nucleotide variant.
Coding change: c.23C>G on transcript NM_000316.3 (MANE Select); coding-DNA position 23, C replaced by G.
Protein change: p.Pro8Arg; replaces proline 8 with arginine.
Molecular consequence: missense variant.
Genome position (GRCh38, 1-based): chr3:46,883,582, C>G. VCF-style: chr3-46883582-C-G. GRCh37 (hg19) VCF-style: chr3-46925072-C-G.
Other names: c.23C>G (NM_000316.2); c.23C>G, p.Pro8Arg (NM_001184744.1); short protein forms P8R.
Identifiers: ClinVar variation 3023031 (VCV003023031.4), dbSNP rs1257452316, ClinGen allele CA352502917.
Genomic context (GRCh38, chr3:46,883,582, plus strand): 5'-GGCGGCTGCCCCGAGGGACGCGGCCCTAGGCGGTGGCGATGGGGACCGCCCGGATCGCAC[C>G]CGGCCTGGCGCTCCTGCTCTGCTGCCCCGTGCTCAGCTCCGCGTACGCGCTGGTGAGTCC-3'
Protein context (NP_000307.1, residues 1-18): MGTARIA[Pro8Arg]GLALLLCCPV

ClinVar aggregate classification (germline): Uncertain significance. Review status: criteria provided, multiple submitters, no conflicts (2 of 4 stars). 2 submissions from 2 submitters: Uncertain significance (2). Last evaluated 2025-12-16.

Conditions:
Inborn genetic diseases. Identifiers: MedGen C0950123, MeSH D030342.

Allele frequency attached by ClinVar (database versions not stated): TOPMed 0.00001.

Submissions (2):

Ambry Genetics
Classification: Uncertain significance for Inborn genetic diseases. Last evaluated: 2025-12-16. Review status: criteria provided, single submitter. Criteria: Ambry Variant Classification Scheme 2023. Collection method: clinical testing. Allele origin: germline.

Labcorp Genetics (formerly Invitae), Labcorp
Classification: Uncertain significance. Last evaluated: 2023-10-05. Review status: criteria provided, single submitter. Criteria: Invitae Variant Classification Sherloc (09022015). Collection method: clinical testing. Allele origin: germline.
Comment: This sequence change replaces proline, which is neutral and non-polar, with arginine, which is basic and polar, at codon 8 of the PTH1R protein (p.Pro8Arg). The frequency data for this variant in the population databases is considered unreliable, as metrics indicate poor data quality at this position in the gnomAD database. This variant has not been reported in the literature in individuals affected with PTH1R-related conditions. An algorithm developed to predict the effect of missense changes on protein structure and function (PolyPhen-2) suggests that this variant is likely to be tolerated. In summary, the available evidence is currently insufficient to determine the role of this variant in disease. Therefore, it has been classified as a Variant of Uncertain Significance.